The following is an entry in ClinVar:

NM_017999.5(RNF31):c.2510G>A (p.Arg837Gln)

Gene: RNF31 (ring finger protein 31; plus strand). Cytogenetic location: 14q12.
Variant type: single nucleotide variant.
Coding change: c.2510G>A on transcript NM_017999.5 (MANE Select); coding-DNA position 2510, G replaced by A.
Protein change: p.Arg837Gln; replaces arginine 837 with glutamine.
Molecular consequence: missense variant.
Genome position (GRCh38, 1-based): chr14:24,157,306, G>A. VCF-style: chr14-24157306-G-A. GRCh37 (hg19) VCF-style: chr14-24626515-G-A.
Other names: c.2057G>A, p.Arg686Gln (NM_001310332.2); short protein forms R837Q, R686Q.
Identifiers: ClinVar variation 2889241 (VCV002889241.3), dbSNP rs552732848, ClinGen allele CA7126085.

ClinVar aggregate classification (germline): Uncertain significance (1 of 4 stars; one submission).

Allele frequency attached by ClinVar (database versions not stated): ExAC 0.00002; gnomAD 0.00001; 1000 Genomes Project 0.00020; TOPMed 0.00002; gnomAD exomes 0.00001; 1000 Genomes Project 30x 0.00016.
gnomAD v4.1: 13 of 1,608,510 alleles (0.00081%); highest among the groups gnomAD compares: Admixed American, 0.0084%; no homozygotes.

Submission:

Labcorp Genetics (formerly Invitae), Labcorp
Classification: Uncertain significance. Last evaluated: 2025-10-29. Review status: criteria provided, single submitter. Criteria: Invitae Variant Classification Sherloc (09022015). Collection method: clinical testing. Allele origin: germline.
Comment: This sequence change replaces arginine, which is basic and polar, with glutamine, which is neutral and polar, at codon 837 of the RNF31 protein (p.Arg837Gln). This variant is present in population databases (rs552732848, gnomAD 0.006%). This variant has not been reported in the literature in individuals affected with RNF31-related conditions. ClinVar contains an entry for this variant (Variation ID: 2889241). An algorithm developed to predict the effect of missense changes on protein structure and function outputs the following: PolyPhen-2: "Benign". The glutamine amino acid residue is found in multiple mammalian species, which suggests that this missense change does not adversely affect protein function. In summary, the available evidence is currently insufficient to determine the role of this variant in disease. Therefore, it has been classified as a Variant of Uncertain Significance.